The following is an entry in ClinVar:

ClinVar aggregate classification (germline): Pathogenic/Likely pathogenic. Review status: criteria provided, multiple submitters, no conflicts (2 of 4 stars). 7 submissions from 7 submitters: Pathogenic (4); Likely pathogenic (1). 2 of the submissions do not count toward it. Last evaluated 2025-09-15.

Conditions:
TWNK-related disorder. Also called: TWNK-related condition.
Mitochondrial disease. Also called: Mitochondrial disorder; Mitochondrial disorders. Identifiers: Orphanet 68380, MedGen C0751651, MeSH D028361, MONDO:0044970.
Progressive external ophthalmoplegia with mitochondrial DNA deletions, autosomal dominant 3. Also called: PROGRESSIVE EXTERNAL OPHTHALMOPLEGIA, AUTOSOMAL DOMINANT 3. Identifiers: MedGen C1836439, MONDO:0012241, OMIM 609286.

Submissions (7):

Institute of Medical Genetics and Applied Genomics, University Hospital Tübingen
Classification: Pathogenic for Progressive external ophthalmoplegia with mitochondrial DNA deletions, autosomal dominant 3. Last evaluated: 2025-09-15. Review status: criteria provided, single submitter. Criteria: ACMG Guidelines, 2015. Collection method: clinical testing. Allele origin: germline. Inheritance: Autosomal dominant inheritance. Affected: yes.

Labcorp Genetics (formerly Invitae), Labcorp
Classification: Pathogenic. Last evaluated: 2025-04-23. Review status: criteria provided, single submitter. Criteria: Invitae Variant Classification Sherloc (09022015). Collection method: clinical testing. Allele origin: germline.
Comment: This sequence change replaces alanine, which is neutral and non-polar, with threonine, which is neutral and polar, at codon 359 of the TWNK protein (p.Ala359Thr). This variant is not present in population databases (gnomAD no frequency). This missense change has been observed in individual(s) with autosomal dominant progressive external ophthalmoplegia (PMID: 11431692, 24076137). It has also been observed to segregate with disease in related individuals. ClinVar contains an entry for this variant (Variation ID: 4618). Invitae Evidence Modeling of protein sequence and biophysical properties (such as structural, functional, and spatial information, amino acid conservation, physicochemical variation, residue mobility, and thermodynamic stability) indicates that this missense variant is expected to disrupt TWNK protein function with a positive predictive value of 95%. Experimental studies have shown that this missense change affects TWNK function (PMID: 20659899). This variant disrupts the p.Ala359 amino acid residue in TWNK. Other variant(s) that disrupt this residue have been determined to be pathogenic (internal data). This suggests that this residue is clinically significant, and that variants that disrupt this residue are likely to be disease-causing. For these reasons, this variant has been classified as Pathogenic.

Blueprint Genetics
Classification: Pathogenic for TWNK-related disorders. Last evaluated: 2024-05-22. Review status: criteria provided, single submitter. Criteria: ACMG Guidelines, 2015. Collection method: clinical testing. Allele origin: germline. Affected: yes. Observed: 1 variant allele.

3billion
Classification: Likely pathogenic for Progressive external ophthalmoplegia with mitochondrial DNA deletions, autosomal dominant 3. Last evaluated: 2022-01-03. Review status: criteria provided, single submitter. Criteria: ACMG Guidelines, 2015. Collection method: clinical testing. Allele origin: germline. Affected: yes. Observed: 1 heterozygote.
Comment: Same nucleotide change resulting in same amino acid change has been previously reported to be associated with TWNK related disorder (ClinVar ID: VCV000004618, PMID:11431692, PS1_P). The variant is located in a well-established functional domain or exonic hotspot, where pathogenic variants have frequently reported (PM1_M). In silico tool predictions suggest damaging effect of the variant on gene or gene product (REVEL: 0.806, 3CNET: 0.904, PP3_P). A missense variant is a common mechanism associated with Progressive external ophthalmoplegia with mitochondrial DNA deletions (PP2_P). It is not observed in the gnomAD v2.1.1 dataset (PM2_M). Therefore, this variant is classified as likely pathogenic according to the recommendation of ACMG/AMP guideline.

Suma Genomics
Classification: Pathogenic for Progressive external ophthalmoplegia with mitochondrial DNA deletions, autosomal dominant 3. Review status: criteria provided, single submitter. Criteria: ACMG Guidelines, 2015. Collection method: clinical testing. Allele origin: unknown. Inheritance: Autosomal dominant inheritance. Affected: yes.

Mitochondrial Research Group, Newcastle University
Classification: Pathogenic for Mitochondrial disease. Last evaluated: 2017-04-07. Review status: no assertion criteria provided. Collection method: clinical testing. Allele origin: germline. Affected: yes. Observed: 2 variant alleles. Not counted in ClinVar's aggregate classification.

OMIM
Classification: Pathogenic for PROGRESSIVE EXTERNAL OPHTHALMOPLEGIA WITH MITOCHONDRIAL DNA DELETIONS, AUTOSOMAL DOMINANT 3. Last evaluated: 2010-09-24. Review status: no assertion criteria provided. Collection method: literature only. Allele origin: germline. Not counted in ClinVar's aggregate classification.

Literature cited by the submitters: PubMed 11431692 (cited by 3 submitters); PubMed 24076137 (cited by Labcorp Genetics (formerly Invitae), Labcorp); PubMed 20659899 (cited by Labcorp Genetics (formerly Invitae), Labcorp and OMIM); PubMed 28812649 (cited by Mitochondrial Research Group, Newcastle University).

NM_021830.5(TWNK):c.1075G>A (p.Ala359Thr)

Gene: TWNK (twinkle mtDNA helicase; plus strand). Cytogenetic location: 10q24.31.
Variant type: single nucleotide variant.
Coding change: c.1075G>A on transcript NM_021830.5 (MANE Select); coding-DNA position 1075, G replaced by A.
Protein change: p.Ala359Thr; replaces alanine 359 with threonine.
Molecular consequence: missense variant. On other transcripts: non-coding transcript variant (4), intron variant (3).
Genome position (GRCh38, 1-based): chr10:100,989,285, G>A. VCF-style: chr10-100989285-G-A. GRCh37 (hg19) VCF-style: chr10-102749042-G-A.
Other names: c.1075G>A, p.Ala359Thr (NM_001163812.2); c.-119-359G>A (NM_001163814.2, NM_001163813.2); c.-57-421G>A (NM_001368275.1); short protein forms A359T.
Identifiers: ClinVar variation 4618 (VCV000004618.12), dbSNP rs111033573, ClinGen allele CA116959.